The following is an entry in ClinVar:

ClinVar aggregate classification (germline): Pathogenic (1 of 4 stars; one submission).

Conditions:
Autosomal recessive limb-girdle muscular dystrophy type 2A (LGMDR1). Also called: Calpainopathy; LEYDEN-MOEBIUS MUSCULAR DYSTROPHY; MUSCULAR DYSTROPHY, PELVOFEMORAL; Limb-girdle muscular dystrophy, type 2A; Muscular dystrophy, limb-girdle, type 2A, Amish. Identifiers: Orphanet 267, MedGen C1869123, MONDO:0009675, OMIM 253600. Disease mechanism: loss of function.

Submission:

Labcorp Genetics (formerly Invitae), Labcorp
Classification: Pathogenic for Autosomal recessive limb-girdle muscular dystrophy type 2A. Last evaluated: 2023-03-15. Review status: criteria provided, single submitter. Criteria: Invitae Variant Classification Sherloc (09022015). Collection method: clinical testing. Allele origin: germline.
Comment: For these reasons, this variant has been classified as Pathogenic. Algorithms developed to predict the effect of sequence changes on RNA splicing suggest that this variant may disrupt the consensus splice site. This variant has not been reported in the literature in individuals affected with CAPN3-related conditions. This variant is not present in population databases (gnomAD no frequency). This sequence change creates a premature translational stop signal (p.Tyr336*) in the CAPN3 gene. It is expected to result in an absent or disrupted protein product. Loss-of-function variants in CAPN3 are known to be pathogenic (PMID: 10330340, 15689361).

Literature cited by the submitters: PubMed 10330340; PubMed 15689361.

NM_000070.3(CAPN3):c.1008C>G (p.Tyr336Ter)

Gene: CAPN3 (calpain 3; plus strand). Cytogenetic location: 15q15.1.
Variant type: single nucleotide variant.
Coding change: c.1008C>G on transcript NM_000070.3 (MANE Select); coding-DNA position 1008, C replaced by G.
Protein change: p.Tyr336Ter; replaces tyrosine 336 with a stop codon.
Molecular consequence: nonsense.
Genome position (GRCh38, 1-based): chr15:42,392,701, C>G. VCF-style: chr15-42392701-C-G. GRCh37 (hg19) VCF-style: chr15-42684899-C-G.
Other names: c.1008C>G, p.Tyr336Ter (NM_024344.2); c.864C>G, p.Tyr288Ter (NM_173087.2); c.747C>G, p.Tyr249Ter (NM_212464.2); c.*701C>G (NM_212467.2); short protein forms Y336*, Y288*, Y249*.
Identifiers: ClinVar variation 2846050 (VCV002846050.3), dbSNP rs771989126, ClinGen allele CA391998866.